The following is an entry in ClinVar:

ClinVar aggregate classification (germline): Uncertain significance. Review status: criteria provided, multiple submitters, no conflicts (2 of 4 stars). 3 submissions from 3 submitters: Uncertain significance (3). Last evaluated 2024-03-29.

Conditions:
Cortical dysplasia-focal epilepsy syndrome (PTHSL1). Also called: Pitt-Hopkins-like syndrome 1. Identifiers: Orphanet 163681, Orphanet 221150, MedGen C2750246, MONDO:0012400, OMIM 610042.
Autism, susceptibility to, 15. Also called: Autism susceptibility 15. Identifiers: MedGen C2677504, MONDO:0012801, OMIM 612100.

Allele frequency attached by ClinVar (database versions not stated): gnomAD exomes below 0.00001.
gnomAD v4.1: 3 of 1,614,134 alleles (0.00019%); highest among the groups gnomAD compares: Non-Finnish European, 0.00017%; no homozygotes.

Submissions (3):

Genomic Medicine Center of Excellence, King Faisal Specialist Hospital and Research Centre
Classification: Uncertain significance for Autism, susceptibility to, 15. Last evaluated: 2024-03-29. Review status: criteria provided, single submitter. Criteria: ACMG Guidelines, 2015. Collection method: clinical testing. Allele origin: germline.

Revvity Omics, Revvity
Classification: Uncertain significance for Cortical dysplasia-focal epilepsy syndrome. Last evaluated: 2023-10-31. Review status: criteria provided, single submitter. Criteria: ACMG Guidelines, 2015. Collection method: clinical testing. Allele origin: germline.

Labcorp Genetics (formerly Invitae), Labcorp
Classification: Uncertain significance for Cortical dysplasia-focal epilepsy syndrome. Last evaluated: 2021-01-19. Review status: criteria provided, single submitter. Criteria: Invitae Variant Classification Sherloc (09022015). Collection method: clinical testing. Allele origin: germline.
Comment: Algorithms developed to predict the effect of missense changes on protein structure and function (SIFT, PolyPhen-2, Align-GVGD) all suggest that this variant is likely to be disruptive, but these predictions have not been confirmed by published functional studies and their clinical significance is uncertain. In summary, the available evidence is currently insufficient to determine the role of this variant in disease. Therefore, it has been classified as a Variant of Uncertain Significance. This variant has not been reported in the literature in individuals with CNTNAP2-related conditions. This variant is not present in population databases (ExAC no frequency). This sequence change replaces tyrosine with cysteine at codon 1066 of the CNTNAP2 protein (p.Tyr1066Cys). The tyrosine residue is highly conserved and there is a large physicochemical difference between tyrosine and cysteine.

NM_014141.6(CNTNAP2):c.3197A>G (p.Tyr1066Cys)

Gene: CNTNAP2 (contactin associated protein 2; plus strand). Cytogenetic location: 7q36.1.
Variant type: single nucleotide variant.
Coding change: c.3197A>G on transcript NM_014141.6 (MANE Select); coding-DNA position 3197, A replaced by G.
Protein change: p.Tyr1066Cys; replaces tyrosine 1066 with cysteine.
Molecular consequence: missense variant.
Genome position (GRCh38, 1-based): chr7:148,217,474, A>G. VCF-style: chr7-148217474-A-G. GRCh37 (hg19) VCF-style: chr7-147914566-A-G.
Other names: short protein forms Y1066C.
Identifiers: ClinVar variation 1368534 (VCV001368534.10), dbSNP rs1795664797, ClinGen allele CA369929443.